The following is an entry in ClinVar:

NM_005802.5(TOPORS):c.1525A>G (p.Lys509Glu)

Gene: TOPORS (TOP1 binding arginine/serine rich protein, E3 ubiquitin ligase; minus strand). Cytogenetic location: 9p21.1.
Variant type: single nucleotide variant.
Coding change: c.1525A>G on transcript NM_005802.5 (MANE Select); coding-DNA position 1525, A replaced by G.
Protein change: p.Lys509Glu; replaces lysine 509 with glutamic acid.
Molecular consequence: missense variant.
Genome position (GRCh38, 1-based): chr9:32,543,000, T>C on the plus strand (A>G on the coding strand, the complement: TOPORS is on the minus strand). VCF-style: chr9-32543000-T-C. GRCh37 (hg19) VCF-style: chr9-32542998-T-C.
Other names: c.1330A>G, p.Lys444Glu (NM_001195622.2); c.1525A>G (NM_005802.4); short protein forms K444E, K509E.
Identifiers: ClinVar variation 1043456 (VCV001043456.8), dbSNP rs145465262, ClinGen allele CA5020517.
Genomic context (GRCh38, chr9:32,543,000, plus strand): 5'-CATCGCTATCACCAGAACTGTAAGATTGCTCCTGTTCTTGTGTCTTCACTGTCTCCATTT[T>C]CTCATAAGAACCTAAGTCCTCAGAATCAGAGGACAGTTCAACAAGTTCTGGGGTCCTCTC-3'
Protein context (NP_005793.2, residues 499-519): SDSEDLGSYE[Lys509Glu]METVKTQEQE

ClinVar aggregate classification (germline): Uncertain significance. Review status: criteria provided, multiple submitters, no conflicts (2 of 4 stars). 3 submissions from 3 submitters: Uncertain significance (2). 1 of the submissions does not count toward it. Last evaluated 2025-11-27.

Conditions:
TOPORS-related disorder. Also called: TOPORS-related condition.
Retinal dystrophy. Also called: Inherited retinal dystrophy. Identifiers: Orphanet 71862, MedGen C0854723, MeSH D058499, MONDO:0019118, HP:0000556.

Allele frequency attached by ClinVar (database versions not stated): ExAC 0.00005; gnomAD 0.00006 and 0.00007; gnomAD exomes 0.00006 and 0.00008; TOPMed 0.00009; ESP Exome Variant Server 0.00023.

Submissions (3):

Labcorp Genetics (formerly Invitae), Labcorp
Classification: Uncertain significance. Last evaluated: 2025-11-27. Review status: criteria provided, single submitter. Criteria: Invitae Variant Classification Sherloc (09022015). Collection method: clinical testing. Allele origin: germline.
Comment: This sequence change replaces lysine, which is basic and polar, with glutamic acid, which is acidic and polar, at codon 509 of the TOPORS protein (p.Lys509Glu). This variant is present in population databases (rs145465262, gnomAD 0.009%). This variant has not been reported in the literature in individuals affected with TOPORS-related conditions. ClinVar contains an entry for this variant (Variation ID: 1043456). An algorithm developed to predict the effect of missense changes on protein structure and function (PolyPhen-2) suggests that this variant is likely to be disruptive. In summary, the available evidence is currently insufficient to determine the role of this variant in disease. Therefore, it has been classified as a Variant of Uncertain Significance.

PreventionGenetics, part of Exact Sciences
Classification: Uncertain significance for TOPORS-related condition. Last evaluated: 2025-04-09. Review status: criteria provided, single submitter. Criteria: ACMG Guidelines, 2015. Collection method: clinical testing. Allele origin: germline.
Comment: The TOPORS c.1525A>G variant is predicted to result in the amino acid substitution p.Lys509Glu. To our knowledge, this variant has not been reported in the literature. This variant is reported in 0.010% of alleles in individuals of European (Non-Finnish) descent in gnomAD. At this time, the clinical significance of this variant is uncertain due to the absence of conclusive functional and genetic evidence.

Institute of Human Genetics, Univ. Regensburg, Univ. Regensburg
Classification: Likely benign for Retinal dystrophy. Last evaluated: 2015-01-01. Review status: no assertion criteria provided. Criteria: ACMG Guidelines, 2015. Collection method: clinical testing. Allele origin: germline. Affected: yes. Not counted in ClinVar's aggregate classification.